The following is an entry in ClinVar:

ClinVar aggregate classification (germline): Uncertain significance (1 of 4 stars; one submission).

gnomAD v4.1: 6 of 1,614,036 alleles (0.00037%); highest among the groups gnomAD compares: Non-Finnish European, 0.00051%; no homozygotes.

Submission:

GeneDx
Classification: Uncertain significance. Last evaluated: 2024-11-26. Review status: criteria provided, single submitter. Criteria: GeneDx Variant Classification Process June 2021. Collection method: clinical testing. Allele origin: germline. Affected: yes.
Comment: Not observed at significant frequency in large population cohorts (gnomAD); In silico analysis supports that this missense variant has a deleterious effect on protein structure/function; Has not been previously published as pathogenic or benign to our knowledge

NM_170606.3(KMT2C):c.10652C>T (p.Pro3551Leu)

Gene: KMT2C (lysine methyltransferase 2C; minus strand). Cytogenetic location: 7q36.1.
Variant type: single nucleotide variant.
Coding change: c.10652C>T on transcript NM_170606.3 (MANE Select); coding-DNA position 10652, C replaced by T.
Protein change: p.Pro3551Leu; replaces proline 3551 with leucine.
Molecular consequence: missense variant.
Genome position (GRCh38, 1-based): chr7:152,162,925, G>A on the plus strand (C>T on the coding strand, the complement: KMT2C is on the minus strand). VCF-style: chr7-152162925-G-A. GRCh37 (hg19) VCF-style: chr7-151860010-G-A.
Other names: short protein forms P3551L.
Identifiers: ClinVar variation 3900197 (VCV003900197.1).
Genomic context (GRCh38, chr7:152,162,925, plus strand): 5'-CCACATGGGAGACTGCTATTAGCTACTGGAGGTGCTGCTGGTAAAGCAGGTGTAAAAGAA[G>A]GCCTCACTGGGGACTGCTGGAAGCTGGTCCCAGAAAGATTTCCATGTCCCTGCTTCACAG-3'
Protein context (NP_733751.2, residues 3541-3561): GTSFQQSPVR[Pro3551Leu]SFTPALPAAP